The following is an entry in ClinVar:

NM_001007525.5(NWD1):c.2016C>T (p.Ser672=)

Gene: NWD1 (NACHT and WD repeat domain containing 1; plus strand). Cytogenetic location: 19p13.11.
Variant type: single nucleotide variant.
Coding change: c.2016C>T on transcript NM_001007525.5 (MANE Select); coding-DNA position 2016, C replaced by T.
Protein change: p.Ser672=; no amino-acid change (serine 672 retained).
Molecular consequence: synonymous variant.
Genome position (GRCh38, 1-based): chr19:16,762,021, C>T. VCF-style: chr19-16762021-C-T. GRCh37 (hg19) VCF-style: chr19-16872832-C-T.
Other names: c.1611C>T, p.Ser537= (NM_001290355.3); c.1398C>T, p.Ser466= (NM_001347994.1).
Identifiers: ClinVar variation 2649519 (VCV002649519.24), dbSNP rs544074252, ClinGen allele CA306011158.

ClinVar aggregate classification (germline): Likely benign (1 of 4 stars; one submission).

Allele frequency attached by ClinVar (database versions not stated): gnomAD 0.00001; gnomAD exomes 0.00002; TOPMed 0.00002.
gnomAD v4.1: 31 of 1,613,904 alleles (0.0019%); highest among the groups gnomAD compares: East Asian, 0.018%; no homozygotes.

Submission:

CeGaT Center for Human Genetics Tuebingen
Classification: Likely benign. Last evaluated: 2023-03-01. Review status: criteria provided, single submitter. Criteria: CeGaT Center For Human Genetics Tuebingen Variant Classification Criteria Version 2. Collection method: clinical testing. Allele origin: germline. Affected: yes. Observed: 1 variant allele.
Comment: NWD1: BP4, BP7